The following is an entry in ClinVar:

ClinVar aggregate classification (germline): Uncertain significance (1 of 4 stars; one submission).

gnomAD v4.1: 58 of 1,613,342 alleles (0.0036%); highest among the groups gnomAD compares: Non-Finnish European, 0.0045%; no homozygotes.

Submission:

GeneDx
Classification: Uncertain significance. Last evaluated: 2025-04-18. Review status: criteria provided, single submitter. Criteria: GeneDx Variant Classification Process June 2021. Collection method: clinical testing. Allele origin: germline. Affected: yes.
Comment: In silico analysis supports that this missense variant has a deleterious effect on protein structure/function; Also known as p.R287W; This variant is associated with the following publications: (PMID: 37842794, 10746568, 37647632)

NM_000504.4(F10):c.979C>T (p.Arg327Trp)

Genes: F10 (coagulation factor X; plus strand), F10-AS2 (F10 antisense RNA 2; minus strand). Cytogenetic location: 13q34.
Variant type: single nucleotide variant.
Coding change: c.979C>T on transcript NM_000504.4 (MANE Select); coding-DNA position 979, C replaced by T.
Protein change: p.Arg327Trp; replaces arginine 327 with tryptophan.
Molecular consequence: missense variant. On other transcripts: synonymous variant (1).
Genome position (GRCh38, 1-based): chr13:113,149,029, C>T. VCF-style: chr13-113149029-C-T. GRCh37 (hg19) VCF-style: chr13-113803343-C-T.
Other names: c.847C>T, p.Arg283Trp (NM_001312674.2); c.969C>T, p.Ser323= (NM_001312675.2); short protein forms R283W, R327W.
Identifiers: ClinVar variation 4282353 (VCV004282353.1).
Genomic context (GRCh38, chr13:113,149,029, plus strand): 5'-GTGGTCATCAAGCACAACCGGTTCACAAAGGAGACCTATGACTTCGACATCGCCGTGCTC[C>T]GGCTCAAGACCCCCATCACCTTCCGCATGAACGTGGCGCCTGCCTGCCTCCCCGAGCGTG-3'
Protein context (NP_000495.1, residues 317-337): ETYDFDIAVL[Arg327Trp]LKTPITFRMN